The following is an entry in ClinVar:

ClinVar aggregate classification (germline): Likely benign (1 of 4 stars; one submission).

gnomAD v4.1: 214 of 1,599,048 alleles (0.013%); highest among the groups gnomAD compares: Non-Finnish European, 0.017%; no homozygotes.

Submission:

CeGaT Center for Human Genetics Tuebingen
Classification: Likely benign. Last evaluated: 2025-08-01. Review status: criteria provided, single submitter. Criteria: CeGaT Center For Human Genetics Tuebingen Variant Classification Criteria Version 2. Collection method: clinical testing. Allele origin: germline. Affected: yes. Observed: 1 variant allele.
Comment: BICRA: BP4, BP7

NM_001394372.1(BICRA):c.4491C>T (p.Leu1497=)

Gene: BICRA (BRD4 interacting chromatin remodeling complex associated protein; plus strand). Cytogenetic location: 19q13.33.
Variant type: single nucleotide variant.
Coding change: c.4491C>T on transcript NM_001394372.1 (MANE Select); coding-DNA position 4491, C replaced by T.
Protein change: p.Leu1497=; no amino-acid change (leucine 1497 retained).
Molecular consequence: synonymous variant.
Genome position (GRCh38, 1-based): chr19:47,702,223, C>T. VCF-style: chr19-47702223-C-T. GRCh37 (hg19) VCF-style: chr19-48205480-C-T.
Other names: c.4491C>T, p.Leu1497= (NM_015711.3).
Identifiers: ClinVar variation 4083914 (VCV004083914.8).